The following is an entry in ClinVar:

ClinVar aggregate classification (germline): Conflicting classifications of pathogenicity. Review status: criteria provided, conflicting classifications (1 of 4 stars). 2 submissions from 2 submitters: Uncertain significance (1); Likely benign (1). Last evaluated 2025-09-22.

Allele frequency attached by ClinVar (database versions not stated): gnomAD exomes 0.00001.
gnomAD v4.1: 19 of 1,613,848 alleles (0.0012%); highest among the groups gnomAD compares: Non-Finnish European, 0.0015%; no homozygotes.

Submissions (2):

Labcorp Genetics (formerly Invitae), Labcorp
Classification: Uncertain significance. Last evaluated: 2025-09-22. Review status: criteria provided, single submitter. Criteria: Invitae Variant Classification Sherloc (09022015). Collection method: clinical testing. Allele origin: germline.
Comment: This sequence change replaces asparagine, which is neutral and polar, with serine, which is neutral and polar, at codon 764 of the NPAT protein (p.Asn764Ser). This variant is not present in population databases (gnomAD no frequency). This variant has not been reported in the literature in individuals affected with NPAT-related conditions. ClinVar contains an entry for this variant (Variation ID: 2561401). An algorithm developed to predict the effect of missense changes on protein structure and function outputs the following: PolyPhen-2: "Benign". The serine amino acid residue is found in multiple mammalian species, which suggests that this missense change does not adversely affect protein function. In summary, the available evidence is currently insufficient to determine the role of this variant in disease. Therefore, it has been classified as a Variant of Uncertain Significance.

Ambry Genetics
Classification: Likely benign. Last evaluated: 2023-04-16. Review status: criteria provided, single submitter. Criteria: Ambry Variant Classification Scheme 2023. Collection method: clinical testing. Allele origin: germline.

NM_002519.3(NPAT):c.2291A>G (p.Asn764Ser)

Gene: NPAT (nuclear protein, coactivator of histone transcription; minus strand). Cytogenetic location: 11q22.3.
Variant type: single nucleotide variant.
Coding change: c.2291A>G on transcript NM_002519.3 (MANE Select); coding-DNA position 2291, A replaced by G.
Protein change: p.Asn764Ser; replaces asparagine 764 with serine.
Molecular consequence: missense variant.
Genome position (GRCh38, 1-based): chr11:108,172,693, T>C on the plus strand (A>G on the coding strand, the complement: NPAT is on the minus strand). VCF-style: chr11-108172693-T-C. GRCh37 (hg19) VCF-style: chr11-108043420-T-C.
Other names: c.2291A>G, p.Asn764Ser (NM_001321307.1); short protein forms N764S.
Identifiers: ClinVar variation 2561401 (VCV002561401.5), dbSNP rs201716492, ClinGen allele CA228383756.
Genomic context (GRCh38, chr11:108,172,693, plus strand): 5'-GCATTTTTAGTAGGTGATTTAGTAGGAGAAGACAAGATTATAGTTGGCAGGTTTTCTCCA[T>C]TAATACTAGAAACAGCACTGGTAAGTTCAGTATCTGAGGAAACAAATGGATCATCACTAA-3'
Protein context (NP_002510.2, residues 754-774): TELTSAVSSI[Asn764Ser]GENLPTIILS